The following is an entry in ClinVar:

NM_000022.4(ADA):c.331A>G (p.Lys111Glu)

Gene: ADA (adenosine deaminase; minus strand). Cytogenetic location: 20q13.12.
Variant type: single nucleotide variant.
Coding change: c.331A>G on transcript NM_000022.4 (MANE Select); coding-DNA position 331, A replaced by G.
Protein change: p.Lys111Glu; replaces lysine 111 with glutamic acid.
Molecular consequence: missense variant. On other transcripts: synonymous variant (1), non-coding transcript variant (1).
Genome position (GRCh38, 1-based): chr20:44,626,487, T>C on the plus strand (A>G on the coding strand, the complement: ADA is on the minus strand). VCF-style: chr20-44626487-T-C. GRCh37 (hg19) VCF-style: chr20-43255128-T-C.
Other names: c.42A>G, p.Pro14= (NM_001322050.2); c.331A>G, p.Lys111Glu (NM_001322051.2); short protein forms K111E.
Identifiers: ClinVar variation 3014384 (VCV003014384.1), dbSNP rs543345924, ClinGen allele CA9871707.
Genomic context (GRCh38, chr20:44,626,487, plus strand): 5'-GCATGGCCCCTTCCAGGCCCATCACTCACTCAGCCTGGTTCCAGGGGATTGGCTCCACTT[T>C]GGAGTTGGCCAGCAGGTGCGGACTGTACCGCACCTCCACATACACCACGCCCTCTTTGGC-3'
Protein context (NP_000013.2, residues 101-121): RYSPHLLANS[Lys111Glu]VEPIPWNQAE

ClinVar aggregate classification (germline): Uncertain significance (1 of 4 stars; one submission).

Conditions:
Severe combined immunodeficiency, autosomal recessive, T cell-negative, B cell-negative, NK cell-negative, due to adenosine deaminase deficiency. Also called: Adenosine deaminase deficient severe combined immunodeficiency; Severe combined immunodeficiency due to ADA deficiency; Adenosine Deaminase Deficiency; ADA-SCID; ADA deficiency; SCID DUE TO ADA DEFICIENCY. Identifiers: Orphanet 277, MedGen C0392607, MONDO:0007064, OMIM 102700.

Allele frequency attached by ClinVar (database versions not stated): TOPMed below 0.00001; gnomAD 0.00001; gnomAD exomes 0.00002; ExAC 0.00004.

Submission:

Labcorp Genetics (formerly Invitae), Labcorp
Classification: Uncertain significance for Severe combined immunodeficiency, autosomal recessive, T cell-negative, B cell-negative, NK cell-negative, due to adenosine deaminase deficiency. Last evaluated: 2024-01-10. Review status: criteria provided, single submitter. Criteria: Invitae Variant Classification Sherloc (09022015). Collection method: clinical testing. Allele origin: germline.
Comment: This sequence change replaces lysine, which is basic and polar, with glutamic acid, which is acidic and polar, at codon 111 of the ADA protein (p.Lys111Glu). This variant is present in population databases (rs543345924, gnomAD 0.009%). This variant has not been reported in the literature in individuals affected with ADA-related conditions. Advanced modeling of protein sequence and biophysical properties (such as structural, functional, and spatial information, amino acid conservation, physicochemical variation, residue mobility, and thermodynamic stability) has been performed at Invitae for this missense variant, however the output from this modeling did not meet the statistical confidence thresholds required to predict the impact of this variant on ADA protein function. In summary, the available evidence is currently insufficient to determine the role of this variant in disease. Therefore, it has been classified as a Variant of Uncertain Significance.